The following is an entry in ClinVar:

NM_016169.4(SUFU):c.1191del (p.Thr396_Tyr397insTer)

Gene: SUFU (SUFU negative regulator of hedgehog signaling; plus strand). Cytogenetic location: 10q24.32.
Variant type: Deletion.
Coding change: c.1191del on transcript NM_016169.4 (MANE Select); coding-DNA position 1191, one base deleted (T; older notation c.1191delT).
Protein change: p.Thr396_Tyr397insTer.
Molecular consequence: nonsense.
Genome position (GRCh38, 1-based): chr10:102,617,323, T deleted. VCF-style (leftmost placement, unchanged base first): chr10-102617322-AT-A. GRCh37 (hg19) VCF-style: chr10-104377079-AT-A.
Other names: c.1191del, p.Thr396_Tyr397insTer (NM_001178133.2).
Identifiers: ClinVar variation 2944270 (VCV002944270.3), dbSNP rs2492789659, ClinGen allele CA2740093542.
Genomic context (GRCh38, chr10:102,617,322, plus strand): 5'-CTCACTGTCTCCATGTTCCCATCTCCAGGGGCAGGCTCCTGCATGGACGGCACTTTACAT[AT>A]AAAAGTATCACAGGTGACATGGCCATCACGTTTGTCTCCACGGGAGTGGAAGGCGCCTTT-3'

ClinVar aggregate classification (germline): Pathogenic (1 of 4 stars; one submission).

Conditions:
Gorlin syndrome. Also called: Nevoid Basal Cell Carcinoma Syndrome; Basal cell nevus syndrome. Identifiers: Orphanet 377, MedGen C0004779, MONDO:0007187.
Medulloblastoma (MDB). Also called: MEDULLOBLASTOMA PREDISPOSITION SYNDROME; Medulloblastoma, somatic. Identifiers: Orphanet 616, MedGen C0025149, MeSH D008527, MONDO:0007959, OMIM 155255, HP:0002885.

Submission:

Labcorp Genetics (formerly Invitae), Labcorp
Classification: Pathogenic for Gorlin syndrome; Medulloblastoma. Last evaluated: 2023-04-13. Review status: criteria provided, single submitter. Criteria: Invitae Variant Classification Sherloc (09022015). Collection method: clinical testing. Allele origin: germline.
Comment: This sequence change creates a premature translational stop signal (p.Tyr397*) in the SUFU gene. It is expected to result in an absent or disrupted protein product. Loss-of-function variants in SUFU are known to be pathogenic (PMID: 22508808, 25403219, 33024317). This variant is not present in population databases (gnomAD no frequency). This variant has not been reported in the literature in individuals affected with SUFU-related conditions. For these reasons, this variant has been classified as Pathogenic.

Literature cited by the submitters: PubMed 22508808; PubMed 25403219; PubMed 33024317.